The following is an entry in ClinVar:

NM_032119.4(ADGRV1):c.4752+89T>C

Gene: ADGRV1 (adhesion G protein-coupled receptor V1; plus strand). Cytogenetic location: 5q14.3.
Variant type: single nucleotide variant.
Coding change: c.4752+89T>C on transcript NM_032119.4 (MANE Select); 89 bases into the intron after coding-DNA position 4752, T replaced by C.
Molecular consequence: intron variant.
Genome position (GRCh38, 1-based): chr5:90,658,367, T>C. VCF-style: chr5-90658367-T-C. GRCh37 (hg19) VCF-style: chr5-89954184-T-C.
Identifiers: ClinVar variation 678818 (VCV000678818.1), dbSNP rs11958484, ClinGen allele CA12030920.
Genomic context (GRCh38, chr5:90,658,367, plus strand): 5'-TTTAAAAATTCATTGTAGGTGGATTTGTTTGGGACTCGGCTTTCTTTCATTTGGTAAGAT[T>C]GGTTGCGCATCTACTCCAAGTCCAGAAGTATGCTAGGGCCAGTGATTGCAAATATAAATT-3'

ClinVar aggregate classification (germline): Benign (1 of 4 stars; one submission).

Allele frequency attached by ClinVar (database versions not stated): gnomAD 0.36937; 1000 Genomes Project 0.41214; 1000 Genomes Project 30x 0.41271; TOPMed 0.40901.
gnomAD v4.1: 453,626 of 1,252,038 alleles (36%); highest among the groups gnomAD compares: Admixed American, 55%; 83,282 homozygotes.

Submission:

GeneDx
Classification: Benign. Last evaluated: 2018-06-14. Review status: criteria provided, single submitter. Criteria: GeneDx Variant Classification (06012015). Collection method: clinical testing. Allele origin: germline. Affected: yes.
Comment: This variant is considered likely benign or benign based on one or more of the following criteria: it is a conservative change, it occurs at a poorly conserved position in the protein, it is predicted to be benign by multiple in silico algorithms, and/or has population frequency not consistent with disease.